The following is an entry in ClinVar:

ClinVar aggregate classification (germline): Uncertain significance. Review status: criteria provided, multiple submitters, no conflicts (2 of 4 stars). 2 submissions from 2 submitters: Uncertain significance (2). Last evaluated 2024-07-29.

Conditions:
Benign neonatal seizures. Also called: Benign neonatal familial convulsions; Benign familial neonatal seizures; Benign familial neonatal epilepsy; Convulsions benign familial neonatal dominant form; Autosomal dominant form of benign neonatal seizures. Identifiers: Orphanet 1949, MedGen C0220669, MONDO:0016027.

Submissions (2):

Labcorp Genetics (formerly Invitae), Labcorp
Classification: Uncertain significance for Benign neonatal seizures. Last evaluated: 2024-07-29. Review status: criteria provided, single submitter. Criteria: Invitae Variant Classification Sherloc (09022015). Collection method: clinical testing. Allele origin: germline.
Comment: This variant, c.107_109dup, results in the insertion of 1 amino acid(s) of the KCNQ3 protein (p.Ala36dup), but otherwise preserves the integrity of the reading frame. This variant is present in population databases (no rsID available, gnomAD 0.007%). This variant has not been reported in the literature in individuals affected with KCNQ3-related conditions. ClinVar contains an entry for this variant (Variation ID: 1367837). Experimental studies and prediction algorithms are not available or were not evaluated, and the functional significance of this variant is currently unknown. In summary, the available evidence is currently insufficient to determine the role of this variant in disease. Therefore, it has been classified as a Variant of Uncertain Significance.

GeneDx
Classification: Uncertain significance. Last evaluated: 2024-01-22. Review status: criteria provided, single submitter. Criteria: GeneDx Variant Classification Process June 2021. Collection method: clinical testing. Allele origin: germline. Affected: yes.
Comment: Not observed at significant frequency in large population cohorts (gnomAD); In-frame insertion of 1 amino acids in a non-repeat region; Has not been previously published as pathogenic or benign to our knowledge

NM_004519.4(KCNQ3):c.107_109dup (p.Ala36dup)

Gene: KCNQ3 (potassium voltage-gated channel subfamily Q member 3; minus strand). Cytogenetic location: 8q24.22.
Variant type: Duplication.
Coding change: c.107_109dup on transcript NM_004519.4 (MANE Select); coding-DNA positions 107 to 109, 3 bases duplicated (CCG; older notation c.107_109dupCCG).
Protein change: p.Ala36dup; duplicates alanine 36.
Molecular consequence: inframe insertion.
Genome position (GRCh38, 1-based): chr8:132,480,424-132,480,426, CGG duplicated on the plus strand (CCG on the coding strand, the reverse complement: KCNQ3 is on the minus strand); duplicating any 3 consecutive bases within chr8:132,480,424-132,480,427 gives the same sequence; the c. name uses the placement nearest the transcript's 3' end. VCF-style (leftmost placement, unchanged base first): chr8-132480423-C-CCGG. GRCh37 (hg19) VCF-style: chr8-133492670-C-CCGG.
Other names: c.107_109dup (NM_004519.3).
Identifiers: ClinVar variation 1367837 (VCV001367837.9), dbSNP rs1360836789, ClinGen allele CA585279337.